The following is an entry in ClinVar:

NM_003482.4(KMT2D):c.7108C>T (p.Arg2370Cys)

Gene: KMT2D (lysine methyltransferase 2D; minus strand). Cytogenetic location: 12q13.12.
Variant type: single nucleotide variant.
Coding change: c.7108C>T on transcript NM_003482.4 (MANE Select); coding-DNA position 7108, C replaced by T.
Protein change: p.Arg2370Cys; replaces arginine 2370 with cysteine.
Molecular consequence: missense variant.
Genome position (GRCh38, 1-based): chr12:49,040,662, G>A on the plus strand (C>T on the coding strand, the complement: KMT2D is on the minus strand). VCF-style: chr12-49040662-G-A. GRCh37 (hg19) VCF-style: chr12-49434445-G-A.
Other names: short protein forms R2370C.
Identifiers: ClinVar variation 1336867 (VCV001336867.14), dbSNP rs1028524252, ClinGen allele CA236648335.
Genomic context (GRCh38, chr12:49,040,662, plus strand): 5'-GAGGTTGGGGCCGAGGAGTCAATGGGGGCTGAGCATATGGGTCAGTGTAGGAGCCAGGGC[G>A]AAAGATGTCTGGGTGACTTGGAGGAGAAGGTGCCAAAGCCTGGGCAGGGGGTGGCTCCTG-3'
Protein context (NP_003473.3, residues 2360-2380): PSPPSHPDIF[Arg2370Cys]PGSYTDPYAQ

ClinVar aggregate classification (germline): Conflicting classifications of pathogenicity. Review status: criteria provided, conflicting classifications (1 of 4 stars). 3 submissions from 3 submitters: Uncertain significance (2); Benign (1). Last evaluated 2026-01-09.

Conditions:
KMT2D-related disorder. Also called: KMT2D-Related Disorders.
Kabuki syndrome. Also called: NIIKAWA-KUROKI SYNDROME; Kabuki make-up syndrome. Identifiers: Orphanet 2322, MedGen C0796004, MONDO:0016512.

Allele frequency attached by ClinVar (database versions not stated): gnomAD exomes 0.00001; TOPMed 0.00002; gnomAD 0.00003.
gnomAD v4.1: 35 of 1,613,698 alleles (0.0022%); highest among the groups gnomAD compares: Admixed American, 0.0067%; no homozygotes.

Submissions (3):

Labcorp Genetics (formerly Invitae), Labcorp
Classification: Benign for Kabuki syndrome. Last evaluated: 2026-01-09. Review status: criteria provided, single submitter. Criteria: Invitae Variant Classification Sherloc (09022015). Collection method: clinical testing. Allele origin: germline.

PreventionGenetics, part of Exact Sciences
Classification: Uncertain significance for KMT2D-related condition. Last evaluated: 2024-12-20. Review status: criteria provided, single submitter. Criteria: ACMG Guidelines, 2015. Collection method: clinical testing. Allele origin: germline.
Comment: The KMT2D c.7108C>T variant is predicted to result in the amino acid substitution p.Arg2370Cys. To our knowledge, this variant has not been reported in the literature. This variant is reported in 0.0033% of alleles in individuals of South Asian descent in gnomAD. Although we suspect that this variant may be benign, at this time, the clinical significance of this variant is uncertain due to the absence of conclusive functional and genetic evidence.

Genetic Services Laboratory, University of Chicago
Classification: Uncertain significance. Last evaluated: 2018-09-07. Review status: criteria provided, single submitter. Criteria: ACMG Guidelines, 2015. Collection method: clinical testing. Allele origin: germline. Affected: no.